The following is an entry in ClinVar:

NM_024570.4(RNASEH2B):c.437-1G>A

Gene: RNASEH2B (ribonuclease H2 subunit B; plus strand). Cytogenetic location: 13q14.3.
Variant type: single nucleotide variant.
Coding change: c.437-1G>A on transcript NM_024570.4 (MANE Select); the canonical splice acceptor site of the intron before coding-DNA position 437, G replaced by A.
Molecular consequence: splice acceptor variant.
Genome position (GRCh38, 1-based): chr13:50,943,320, G>A. VCF-style: chr13-50943320-G-A. GRCh37 (hg19) VCF-style: chr13-51517456-G-A.
Other names: c.437-1G>A (NM_001142279.2, NM_001411023.1).
Identifiers: ClinVar variation 424112 (VCV000424112.6), dbSNP rs777313709, ClinGen allele CA6985583.

ClinVar aggregate classification (germline): Pathogenic/Likely pathogenic. Review status: criteria provided, multiple submitters, no conflicts (2 of 4 stars). 2 submissions from 2 submitters: Pathogenic (1); Likely pathogenic (1). Last evaluated 2025-07-25.

Conditions:
Aicardi-Goutieres syndrome 2. Identifiers: Orphanet 51, MedGen C3489724, MONDO:0012429, OMIM 610181.

Allele frequency attached by ClinVar (database versions not stated): gnomAD exomes below 0.00001 and 0.00001; ExAC 0.00002.
gnomAD v4.1: 2 of 1,557,524 alleles (0.00013%); highest among the groups gnomAD compares: Non-Finnish European, 0.00018%; no homozygotes.

Submissions (2):

Labcorp Genetics (formerly Invitae), Labcorp
Classification: Likely pathogenic for Aicardi-Goutieres syndrome 2. Last evaluated: 2025-07-25. Review status: criteria provided, single submitter. Criteria: Invitae Variant Classification Sherloc (09022015). Collection method: clinical testing. Allele origin: germline.
Comment: This sequence change affects an acceptor splice site in intron 5 of the RNASEH2B gene. It is expected to disrupt RNA splicing. Variants that disrupt the donor or acceptor splice site typically lead to a loss of protein function (PMID: 16199547), and loss-of-function variants in RNASEH2B are known to be pathogenic (PMID: 17846997). This variant is present in population databases (rs777313709, gnomAD 0.002%). This variant has not been reported in the literature in individuals affected with RNASEH2B-related conditions. ClinVar contains an entry for this variant (Variation ID: 424112). Algorithms developed to predict the effect of sequence changes on RNA splicing suggest that this variant may disrupt the consensus splice site. In summary, the currently available evidence indicates that the variant is pathogenic, but additional data are needed to prove that conclusively. Therefore, this variant has been classified as Likely Pathogenic.

GeneDx
Classification: Pathogenic. Last evaluated: 2021-03-01. Review status: criteria provided, single submitter. Criteria: GeneDx Variant Classification Process June 2021. Collection method: clinical testing. Allele origin: germline. Affected: yes.
Comment: Canonical splice site variant predicted to result in a null allele in a gene for which loss-of-function is a known mechanism of disease; Not observed in large population cohorts (Lek et al., 2016); Has not been previously published as pathogenic or benign to our knowledge

Literature cited by the submitters: PubMed 16199547 (cited by Labcorp Genetics (formerly Invitae), Labcorp); PubMed 17846997 (cited by Labcorp Genetics (formerly Invitae), Labcorp).